The following is an entry in ClinVar:

NM_172364.5(CACNA2D4):c.780A>C (p.Pro260=)

Gene: CACNA2D4 (calcium voltage-gated channel auxiliary subunit alpha2delta 4; minus strand). Cytogenetic location: 12p13.33.
Variant type: single nucleotide variant.
Coding change: c.780A>C on transcript NM_172364.5 (MANE Select); coding-DNA position 780, A replaced by C.
Protein change: p.Pro260=; no amino-acid change (proline 260 retained).
Molecular consequence: synonymous variant.
Genome position (GRCh38, 1-based): chr12:1,907,441, T>G on the plus strand (A>C on the coding strand, the complement: CACNA2D4 is on the minus strand). VCF-style: chr12-1907441-T-G. GRCh37 (hg19) VCF-style: chr12-2016607-T-G.
Identifiers: ClinVar variation 2697163 (VCV002697163.3), dbSNP rs770074166, ClinGen allele CA477867773.

ClinVar aggregate classification (germline): Uncertain significance (1 of 4 stars; one submission).

Submission:

Labcorp Genetics (formerly Invitae), Labcorp
Classification: Uncertain significance. Last evaluated: 2023-11-27. Review status: criteria provided, single submitter. Criteria: Invitae Variant Classification Sherloc (09022015). Collection method: clinical testing. Allele origin: germline.
Comment: This sequence change affects codon 260 of the CACNA2D4 mRNA. It is a 'silent' change, meaning that it does not change the encoded amino acid sequence of the CACNA2D4 protein. It affects a nucleotide within the consensus splice site. This variant is not present in population databases (gnomAD no frequency). This variant has not been reported in the literature in individuals affected with CACNA2D4-related conditions. Algorithms developed to predict the effect of sequence changes on RNA splicing suggest that this variant is not likely to affect RNA splicing. In summary, the available evidence is currently insufficient to determine the role of this variant in disease. Therefore, it has been classified as a Variant of Uncertain Significance.